The following is an entry in ClinVar:

ClinVar aggregate classification (germline): Uncertain significance. Review status: criteria provided, multiple submitters, no conflicts (2 of 4 stars). 2 submissions from 2 submitters: Uncertain significance (2). Last evaluated 2022-07-06.

Allele frequency attached by ClinVar (database versions not stated): gnomAD exomes below 0.00001.
gnomAD v4.1: 1 of 1,614,064 alleles (0.000062%); highest among the groups gnomAD compares: East Asian, 0.0022%; no homozygotes.

Submissions (2):

Labcorp Genetics (formerly Invitae), Labcorp
Classification: Uncertain significance. Last evaluated: 2022-07-06. Review status: criteria provided, single submitter. Criteria: Invitae Variant Classification Sherloc (09022015). Collection method: clinical testing. Allele origin: germline.
Comment: In summary, the available evidence is currently insufficient to determine the role of this variant in disease. Therefore, it has been classified as a Variant of Uncertain Significance. ClinVar contains an entry for this variant (Variation ID: 1433907). This variant has not been reported in the literature in individuals affected with DHX38-related conditions. This variant is not present in population databases (gnomAD no frequency). This sequence change creates a premature translational stop signal (p.Trp129*) in the DHX38 gene. It is expected to result in an absent or disrupted protein product. However, the current clinical and genetic evidence is not sufficient to establish whether loss-of-function variants in DHX38 cause disease.

Blueprint Genetics
Classification: Uncertain significance. Last evaluated: 2022-05-12. Review status: criteria provided, single submitter. Criteria: ACMG Guidelines, 2015. Collection method: clinical testing. Allele origin: germline.

NM_014003.4(DHX38):c.387G>A (p.Trp129Ter)

Gene: DHX38 (DEAH-box helicase 38; plus strand). Cytogenetic location: 16q22.2.
Variant type: single nucleotide variant.
Coding change: c.387G>A on transcript NM_014003.4 (MANE Select); coding-DNA position 387, G replaced by A.
Protein change: p.Trp129Ter; replaces tryptophan 129 with a stop codon.
Molecular consequence: nonsense.
Genome position (GRCh38, 1-based): chr16:72,096,885, G>A. VCF-style: chr16-72096885-G-A. GRCh37 (hg19) VCF-style: chr16-72130784-G-A.
Other names: short protein forms W129*.
Identifiers: ClinVar variation 1433907 (VCV001433907.7), dbSNP rs2144131124, ClinGen allele CA396700791.